The following is an entry in ClinVar:

ClinVar aggregate classification (germline): Benign/Likely benign. Review status: criteria provided, multiple submitters, no conflicts (2 of 4 stars). 15 submissions from 15 submitters: Benign (10); Likely benign (2). 3 of the submissions do not count toward it. Last evaluated 2026-02-04.

Conditions:
Cardiovascular phenotype. Identifiers: MedGen CN230736.
Catecholaminergic polymorphic ventricular tachycardia 2. Also called: CASQ2-Related Catecholaminergic Polymorphic Ventricular Tachycardia; VENTRICULAR TACHYCARDIA, STRESS-INDUCED POLYMORPHIC 2. Identifiers: Orphanet 3286, MedGen C2677794, MONDO:0012762, OMIM 611938.
Cardiomyopathy (CMYO). Also called: Cardiomyopathies. Identifiers: Orphanet 167848, MedGen C0878544, MONDO:0004994, HP:0001638. Inheritance: Various modes of inheritance.
Catecholaminergic polymorphic ventricular tachycardia 1. Also called: VENTRICULAR TACHYCARDIA, CATECHOLAMINERGIC POLYMORPHIC, 1, WITH OR WITHOUT ATRIAL DYSFUNCTION AND/OR DILATED CARDIOMYOPATHY; RYR2-Related Catecholaminergic Polymorphic Ventricular Tachycardia; VENTRICULAR TACHYCARDIA, STRESS-INDUCED POLYMORPHIC 1. Identifiers: Orphanet 3286, MedGen C1631597, MONDO:0011484, OMIM 604772.
Catecholaminergic polymorphic ventricular tachycardia (CVPT). Also called: Catecholamine-induced polymorphic ventricular tachycardia. Identifiers: Orphanet 3286, MedGen C5574922, MONDO:0017990.

Allele frequency attached by ClinVar (database versions not stated): gnomAD exomes 0.00531; ExAC 0.00657; 1000 Genomes Project 0.01757; 1000 Genomes Project 30x 0.01921; gnomAD 0.01970 and 0.02116; ESP Exome Variant Server 0.02145; TOPMed 0.02226.
gnomAD v4.1: 6,387 of 1,613,282 alleles (0.4%); highest among the groups gnomAD compares: African/African-American, 6.7%; 189 homozygotes.

Submissions (15):

Labcorp Genetics (formerly Invitae), Labcorp
Classification: Benign for Catecholaminergic polymorphic ventricular tachycardia 1. Last evaluated: 2026-02-04. Review status: criteria provided, single submitter. Criteria: Invitae Variant Classification Sherloc (09022015). Collection method: clinical testing. Allele origin: germline.

ARUP Laboratories, Molecular Genetics and Genomics, ARUP Laboratories
Classification: Benign for Catecholaminergic polymorphic ventricular tachycardia 2. Last evaluated: 2025-05-20. Review status: criteria provided, single submitter. Criteria: ARUP Molecular Germline Variant Investigation Process 2024. Collection method: clinical testing. Allele origin: germline.

Molecular Diagnostic Laboratory for Inherited Cardiovascular Disease, Montreal Heart Institute
Classification: Benign. Last evaluated: 2025-04-09. Review status: criteria provided, single submitter. Criteria: ACMG Guidelines, 2015. Collection method: clinical testing. Allele origin: germline. Affected: no.

Genome-Nilou Lab
Classification: Likely benign for Catecholaminergic polymorphic ventricular tachycardia 2. Last evaluated: 2023-04-11. Review status: criteria provided, single submitter. Criteria: ACMG Guidelines, 2015. Collection method: clinical testing. Allele origin: germline. Affected: no.

Mayo Clinic Laboratories, Mayo Clinic
Classification: Benign. Last evaluated: 2023-04-06. Review status: criteria provided, single submitter. Criteria: ACMG Guidelines, 2015. Collection method: clinical testing. Allele origin: germline. Observed: 12 variant alleles.

Illumina Laboratory Services, Illumina
Classification: Benign for Catecholaminergic polymorphic ventricular tachycardia 2. Last evaluated: 2018-01-12. Review status: criteria provided, single submitter. Criteria: ICSL Variant Classification Criteria 13 December 2019. Collection method: clinical testing. Allele origin: germline.
Comment: This variant was observed in the ICSL laboratory as part of a predisposition screen in an ostensibly healthy population. It had not been previously curated by ICSL or reported in the Human Gene Mutation Database (HGMD: prior to June 1st, 2018), and was therefore a candidate for classification through an automated scoring system. Utilizing variant allele frequency, disease prevalence and penetrance estimates, and inheritance mode, an automated score was calculated to assess if this variant is too frequent to cause the disease. Based on the score and internal cut-off values, a variant classified as benign is not then subjected to further curation. The score for this variant resulted in a classification of benign for this disease.

CHEO Genetics Diagnostic Laboratory, Children's Hospital of Eastern Ontario
Classification: Benign for Cardiomyopathy. Last evaluated: 2016-07-25. Review status: criteria provided, single submitter. Criteria: ACMG Guidelines, 2015. Collection method: clinical testing. Allele origin: germline. Study: Canadian Open Genetics Repository.

Clinical Genetics DNA and cytogenetics Diagnostics Lab, Erasmus MC, Erasmus Medical Center
Classification: Benign for Catecholaminergic polymorphic ventricular tachycardia 2. Last evaluated: 2015-09-21. Review status: criteria provided, single submitter. Criteria: ACGS Guidelines, 2013. Collection method: clinical testing. Allele origin: germline. Affected: yes. Study: VKGL Data-share Consensus.

Ambry Genetics
Classification: Benign for Cardiovascular phenotype. Last evaluated: 2015-09-17. Review status: criteria provided, single submitter. Criteria: Ambry Variant Classification Scheme 2023. Collection method: clinical testing. Allele origin: germline.

GeneDx
Classification: Benign. Last evaluated: 2015-03-03. Review status: criteria provided, single submitter. Criteria: GeneDx Variant Classification Process June 2021. Collection method: clinical testing. Allele origin: germline. Affected: yes.

Laboratory for Molecular Medicine, Mass General Brigham Personalized Medicine
Classification: Benign. Last evaluated: 2012-05-22. Review status: criteria provided, single submitter. Criteria: LMM Criteria. Collection method: clinical testing. Allele origin: germline. Observed: 42 variant alleles.
Comment: 6.0% (225/3738) Afr Amer chrom (ESP)

Breakthrough Genomics
Classification: Likely benign. Review status: criteria provided, single submitter. Criteria: ACMG Guidelines, 2015. Collection method: not provided. Allele origin: germline. Inheritance: Autosomal recessive inheritance. Affected: yes.

Cohesion Phenomics
Classification: Likely benign for Catecholaminergic polymorphic ventricular tachycardia. Last evaluated: 2022-09-23. Review status: no assertion criteria provided. Criteria: ACMG Guidelines, 2015. Collection method: clinical testing. Allele origin: germline. Affected: yes. Not counted in ClinVar's aggregate classification.

Clinical Genetics, Academic Medical Center
Classification: Benign. Review status: no assertion criteria provided. Collection method: clinical testing. Allele origin: germline. Affected: yes. Study: VKGL Data-share Consensus. Not counted in ClinVar's aggregate classification.

Joint Genome Diagnostic Labs from Nijmegen and Maastricht, Radboudumc and MUMC+
Classification: Likely benign. Review status: no assertion criteria provided. Collection method: clinical testing. Allele origin: germline. Affected: yes. Study: VKGL Data-share Consensus. Not counted in ClinVar's aggregate classification.

NM_001232.4(CASQ2):c.1005T>C (p.Asn335=)

Gene: CASQ2 (calsequestrin 2; minus strand). Cytogenetic location: 1p13.1.
Variant type: single nucleotide variant.
Coding change: c.1005T>C on transcript NM_001232.4 (MANE Select); coding-DNA position 1005, T replaced by C.
Protein change: p.Asn335=; no amino-acid change (asparagine 335 retained).
Molecular consequence: synonymous variant.
Genome position (GRCh38, 1-based): chr1:115,702,930, A>G on the plus strand (T>C on the coding strand, the complement: CASQ2 is on the minus strand). VCF-style: chr1-115702930-A-G. GRCh37 (hg19) VCF-style: chr1-116245551-A-G.
Other names: p.Asn335=.
Identifiers: ClinVar variation 44152 (VCV000044152.43), dbSNP rs28730712, ClinGen allele CA133685.